The following is an entry in ClinVar:

NM_002474.3(MYH11):c.3463C>G (p.Leu1155Val)

Gene: MYH11 (myosin heavy chain 11; minus strand). Cytogenetic location: 16p13.11.
Variant type: single nucleotide variant.
Coding change: c.3463C>G on transcript NM_002474.3 (MANE Select); coding-DNA position 3463, C replaced by G.
Protein change: p.Leu1155Val; replaces leucine 1155 with valine.
Molecular consequence: missense variant.
Genome position (GRCh38, 1-based): chr16:15,735,409, G>C on the plus strand (C>G on the coding strand, the complement: MYH11 is on the minus strand). VCF-style: chr16-15735409-G-C. GRCh37 (hg19) VCF-style: chr16-15829266-G-C.
Other names: c.3484C>G, p.Leu1162Val (NM_001040113.2, NM_001040114.2); c.3463C>G, p.Leu1155Val (NM_022844.3); short protein forms L1155V, L1162V.
Identifiers: ClinVar variation 1172009 (VCV001172009.3), dbSNP rs2151240818, ClinGen allele CA394861817.

ClinVar aggregate classification (germline): Uncertain significance (1 of 4 stars; one submission).

Conditions:
Familial thoracic aortic aneurysm and aortic dissection (TAAD). Also called: Thoracic aortic aneurysms and dissections. Identifiers: Orphanet 91387, MedGen C4707243, MONDO:0019625.

Submission:

Color Diagnostics, LLC DBA Color Health
Classification: Uncertain significance for Familial thoracic aortic aneurysm and aortic dissection. Last evaluated: 2024-03-07. Review status: criteria provided, single submitter. Criteria: ACMG Guidelines, 2015. Collection method: clinical testing. Allele origin: germline.
Comment: This missense variant replaces leucine with valine at codon 1162 of the MYH11 protein. Computational prediction suggests that this variant may have deleterious impact on protein structure and function (internally defined REVEL score threshold >= 0.7, PMID: 27666373). To our knowledge, functional studies have not been reported for this variant. This variant has not been reported in individuals affected with cardiovascular disorders in the literature. This variant has not been identified in the general population by the Genome Aggregation Database (gnomAD). The available evidence is insufficient to determine the role of this variant in disease conclusively. Therefore, this variant is classified as a Variant of Uncertain Significance.